The following is an entry in ClinVar:

NM_033380.3(COL4A5):c.1369G>A (p.Gly457Ser)

Gene: COL4A5 (collagen type IV alpha 5 chain; plus strand). Cytogenetic location: Xq22.3.
Variant type: single nucleotide variant.
Coding change: c.1369G>A on transcript NM_033380.3 (MANE Select); coding-DNA position 1369, G replaced by A.
Protein change: p.Gly457Ser; replaces glycine 457 with serine.
Molecular consequence: missense variant.
Genome position (GRCh38, 1-based): chrX:108,591,590, G>A. VCF-style: chrX-108591590-G-A. GRCh37 (hg19) VCF-style: chrX-107834820-G-A.
Other names: c.1369G>A, p.Gly457Ser (NM_000495.5); short protein forms G457S.
Identifiers: ClinVar variation 1347378 (VCV001347378.7), dbSNP rs2147798001, ClinGen allele CA413934466.

ClinVar aggregate classification (germline): Likely pathogenic. Review status: criteria provided, multiple submitters, no conflicts (2 of 4 stars). 2 submissions from 2 submitters: Likely pathogenic (2). Last evaluated 2024-04-12.

Conditions:
X-linked Alport syndrome (ATS1). Also called: NEPHROPATHY AND DEAFNESS, X-LINKED; COL4A5-Related Nephropathy. Identifiers: Orphanet 63, Orphanet 88917, MedGen C4746986, MONDO:0010520, OMIM 301050.

Submissions (2):

Fulgent Genetics
Classification: Likely pathogenic for X-linked Alport syndrome. Last evaluated: 2024-04-12. Review status: criteria provided, single submitter. Criteria: ACMG Guidelines, 2015. Collection method: clinical testing. Allele origin: germline.

Labcorp Genetics (formerly Invitae), Labcorp
Classification: Likely pathogenic. Last evaluated: 2021-05-31. Review status: criteria provided, single submitter. Criteria: Invitae Variant Classification Sherloc (09022015). Collection method: clinical testing. Allele origin: germline.
Comment: This variant disrupts the p.Gly amino acid resid574ue in COL4A5. Other variant(s) that disrupt this residue have been observed in individuals with COL4A5-related conditions (Invitae), which suggests that this may be a clinically significant amino acid residue. In summary, the currently available evidence indicates that the variant is pathogenic, but additional data are needed to prove that conclusively. Therefore, this variant has been classified as Likely Pathogenic. This variant disrupts the triple helix domain of COL4A5. Glycine residues within the Gly-Xaa-Yaa repeats of the triple helix domain are required for the structure and stability of fibrillar collagens (PMID: 7695699, 8218237, 19344236). In COL4A5, missense variants at these glycine residues are significantly enriched in individuals with disease (PMID: 23720012, 27627812) compared to the general population (ExAC). Advanced modeling of protein sequence and biophysical properties (such as structural, functional, and spatial information, amino acid conservation, physicochemical variation, residue mobility, and thermodynamic stability) performed at Invitae indicates that this missense variant is expected to disrupt COL4A5 protein function. This variant has been observed in individual(s) with clinical features of COL4A5-related conditions (Invitae). This variant is not present in population databases (ExAC no frequency). This sequence change replaces glycine with serine at codon 457 of the COL4A5 protein (p.Gly457Ser). The glycine residue is moderately conserved and there is a small physicochemical difference between glycine and serine.

Literature cited by the submitters: PubMed 7695699 (cited by Labcorp Genetics (formerly Invitae), Labcorp); PubMed 8218237 (cited by Labcorp Genetics (formerly Invitae), Labcorp); PubMed 19344236 (cited by Labcorp Genetics (formerly Invitae), Labcorp); PubMed 23720012 (cited by Labcorp Genetics (formerly Invitae), Labcorp); PubMed 27627812 (cited by Labcorp Genetics (formerly Invitae), Labcorp).